The following is an entry in ClinVar:

NM_000276.4(OCRL):c.2620A>G (p.Asn874Asp)

Gene: OCRL (OCRL inositol polyphosphate-5-phosphatase; plus strand). Cytogenetic location: Xq26.1.
Variant type: single nucleotide variant.
Coding change: c.2620A>G on transcript NM_000276.4 (MANE Select); coding-DNA position 2620, A replaced by G.
Protein change: p.Asn874Asp; replaces asparagine 874 with aspartic acid.
Molecular consequence: missense variant.
Genome position (GRCh38, 1-based): chrX:129,590,184, A>G. VCF-style: chrX-129590184-A-G. GRCh37 (hg19) VCF-style: chrX-128724161-A-G.
Other names: c.2623A>G, p.Asn875Asp (NM_001318784.2); c.2596A>G, p.Asn866Asp (NM_001587.4); short protein forms N874D, N866D, N875D.
Identifiers: ClinVar variation 2111107 (VCV002111107.4), dbSNP rs2521951291, ClinGen allele CA414633086.

ClinVar aggregate classification (germline): Uncertain significance (1 of 4 stars; one submission).

Conditions:
Lowe syndrome (OCRL). Also called: LOWE OCULOCEREBRORENAL SYNDROME; PHOSPHATIDYLINOSITOL 4,5-BISPHOSPHATE 5-PHOSPHATASE DEFICIENCY; Oculocerebrorenal Syndrome. Identifiers: Orphanet 534, MedGen C0028860, MONDO:0010645, OMIM 309000.

Submission:

Labcorp Genetics (formerly Invitae), Labcorp
Classification: Uncertain significance for Lowe syndrome. Last evaluated: 2022-03-13. Review status: criteria provided, single submitter. Criteria: Invitae Variant Classification Sherloc (09022015). Collection method: clinical testing. Allele origin: germline.
Comment: In summary, the available evidence is currently insufficient to determine the role of this variant in disease. Therefore, it has been classified as a Variant of Uncertain Significance. Advanced modeling of protein sequence and biophysical properties (such as structural, functional, and spatial information, amino acid conservation, physicochemical variation, residue mobility, and thermodynamic stability) performed at Invitae indicates that this missense variant is not expected to disrupt OCRL protein function. This variant has not been reported in the literature in individuals affected with OCRL-related conditions. This variant is not present in population databases (gnomAD no frequency). This sequence change replaces asparagine, which is neutral and polar, with aspartic acid, which is acidic and polar, at codon 874 of the OCRL protein (p.Asn874Asp).